The following is an entry in ClinVar:

ClinVar aggregate classification (germline): Uncertain significance (1 of 4 stars; one submission).

Submission:

Labcorp Genetics (formerly Invitae), Labcorp
Classification: Uncertain significance. Last evaluated: 2019-10-02. Review status: criteria provided, single submitter. Criteria: Invitae Variant Classification Sherloc (09022015). Collection method: clinical testing. Allele origin: germline.
Comment: This sequence change replaces serine with phenylalanine at codon 1170 of the A2ML1 protein (p.Ser1170Phe). The serine residue is moderately conserved and there is a large physicochemical difference between serine and phenylalanine. This variant is not present in population databases (ExAC no frequency). This variant has not been reported in the literature in individuals with A2ML1-related conditions. Algorithms developed to predict the effect of missense changes on protein structure and function are either unavailable or do not agree on the potential impact of this missense change (SIFT: "Tolerated"; PolyPhen-2: "Possibly Damaging"; Align-GVGD: "Class C0"). In summary, the available evidence is currently insufficient to determine the role of this variant in disease. Therefore, it has been classified as a Variant of Uncertain Significance.

NM_144670.6(A2ML1):c.3509C>T (p.Ser1170Phe)

Gene: A2ML1 (alpha-2-macroglobulin like 1; plus strand). Cytogenetic location: 12p13.31.
Variant type: single nucleotide variant.
Coding change: c.3509C>T on transcript NM_144670.6 (MANE Select); coding-DNA position 3509, C replaced by T.
Protein change: p.Ser1170Phe; replaces serine 1170 with phenylalanine.
Molecular consequence: missense variant.
Genome position (GRCh38, 1-based): chr12:8,863,800, C>T. VCF-style: chr12-8863800-C-T. GRCh37 (hg19) VCF-style: chr12-9016396-C-T.
Other names: c.2036C>T, p.Ser679Phe (NM_001282424.3); short protein forms S1170F, S679F.
Identifiers: ClinVar variation 954245 (VCV000954245.9), dbSNP rs1944348517, ClinGen allele CA383841721.